The following is an entry in ClinVar:

ClinVar aggregate classification (germline): Uncertain significance. Review status: criteria provided, single submitter (1 of 4 stars). 2 submissions from 2 submitters: Uncertain significance (1). 1 of the submissions does not count toward it. Last evaluated 2023-04-30.

Conditions:
Juvenile neuronal ceroid lipofuscinosis. Also called: Batten Disease. Identifiers: Orphanet 79264, MedGen CN293564, MONDO:0019262.
Neuronal ceroid lipofuscinosis. Also called: Neuronal Ceroid Lipofuscinoses. Identifiers: Orphanet 216, Orphanet 79263, MedGen C0027877, MONDO:0016295. Disease mechanism: loss of function.

Submissions (2):

Labcorp Genetics (formerly Invitae), Labcorp
Classification: Uncertain significance for Neuronal ceroid lipofuscinosis. Last evaluated: 2023-04-30. Review status: criteria provided, single submitter. Criteria: Invitae Variant Classification Sherloc (09022015). Collection method: clinical testing. Allele origin: germline.
Comment: In summary, the available evidence is currently insufficient to determine the role of this variant in disease. Therefore, it has been classified as a Variant of Uncertain Significance. An algorithm developed to predict the effect of missense changes on protein structure and function (PolyPhen-2) suggests that this variant is likely to be disruptive. This variant has not been reported in the literature in individuals affected with CLN3-related conditions. This variant is not present in population databases (gnomAD no frequency). This sequence change replaces glycine, which is neutral and non-polar, with glutamic acid, which is acidic and polar, at codon 187 of the CLN3 protein (p.Gly187Glu).

Natera, Inc.
Classification: Uncertain significance for Batten Disease. Last evaluated: 2025-04-10. Review status: no assertion criteria provided. Collection method: clinical testing. Allele origin: germline. Not counted in ClinVar's aggregate classification.

NM_001042432.2(CLN3):c.560G>A (p.Gly187Glu)

Gene: CLN3 (CLN3 lysosomal/endosomal transmembrane protein, battenin; minus strand). Cytogenetic location: 16p12.1.
Variant type: single nucleotide variant.
Coding change: c.560G>A on transcript NM_001042432.2 (MANE Select); coding-DNA position 560, G replaced by A.
Protein change: p.Gly187Glu; replaces glycine 187 with glutamic acid.
Molecular consequence: missense variant.
Genome position (GRCh38, 1-based): chr16:28,486,464, C>T on the plus strand (G>A on the coding strand, the complement: CLN3 is on the minus strand). VCF-style: chr16-28486464-C-T. GRCh37 (hg19) VCF-style: chr16-28497785-C-T.
Other names: c.560G>A, p.Gly187Glu (NM_000086.2); c.488G>A, p.Gly163Glu (NM_001286104.2); c.260G>A, p.Gly87Glu (NM_001286105.2); c.326G>A, p.Gly109Glu (NM_001286109.2); c.398G>A, p.Gly133Glu (NM_001286110.2); short protein forms G133E, G163E, G187E, G87E, G109E.
Identifiers: ClinVar variation 2860821 (VCV002860821.4), dbSNP rs386833730, ClinGen allele CA395345454.